The following is an entry in ClinVar:

NM_004522.3(KIF5C):c.1358A>G (p.Asp453Gly)

Gene: KIF5C (kinesin family member 5C; plus strand). Cytogenetic location: 2q23.1.
Variant type: single nucleotide variant.
Coding change: c.1358A>G on transcript NM_004522.3 (MANE Select); coding-DNA position 1358, A replaced by G.
Protein change: p.Asp453Gly; replaces aspartic acid 453 with glycine.
Molecular consequence: missense variant. On other transcripts: non-coding transcript variant (1).
Genome position (GRCh38, 1-based): chr2:148,978,986, A>G. VCF-style: chr2-148978986-A-G. GRCh37 (hg19) VCF-style: chr2-149835500-A-G.
Other names: short protein forms D453G.
Identifiers: ClinVar variation 1708124 (VCV001708124.1), dbSNP rs752398746, ClinGen allele CA1901433.
Genomic context (GRCh38, chr2:148,978,986, plus strand): 5'-ATGAAATTAACCAGCAGAGCCAGCTGGCTGAAAAGCTGAAGCAACAGATGTTGGATCAGG[A>G]TGAGGTAAAGAATGCAATATATTTTTTTTTCCACAAAGTTCTTCTATTACTCTTTGTTGT-3'
Protein context (NP_004513.1, residues 443-463): EKLKQQMLDQ[Asp453Gly]ELLASTRRDY

ClinVar aggregate classification (germline): Uncertain significance (1 of 4 stars; one submission).

Conditions:
Complex cortical dysplasia with other brain malformations 2. Identifiers: MedGen C3809013, MONDO:0014116, OMIM 615282.

Allele frequency attached by ClinVar (database versions not stated): gnomAD exomes 0.00001; TOPMed 0.00001; ExAC 0.00002; gnomAD 0.00002.
gnomAD v4.1: 12 of 1,585,436 alleles (0.00076%); highest among the groups gnomAD compares: Non-Finnish European, 0.00034%; no homozygotes.

Submission:

Laboratory of Medical Genetics, National & Kapodistrian University of Athens
Classification: Uncertain significance for Complex cortical dysplasia with other brain malformations 2. Last evaluated: 2022-08-03. Review status: criteria provided, single submitter. Criteria: ACMG Guidelines, 2015. Collection method: clinical testing. Allele origin: germline. Affected: yes.
Comment: PM2, PP3